The following is an entry in ClinVar:

ClinVar aggregate classification (germline): Uncertain significance (1 of 4 stars; one submission).

Conditions:
Renal cell carcinoma. Identifiers: Orphanet 217071, MedGen C0007134, MeSH D002292, MONDO:0005086, HP:0005584.

Submission:

Labcorp Genetics (formerly Invitae), Labcorp
Classification: Uncertain significance for Renal cell carcinoma. Last evaluated: 2024-04-25. Review status: criteria provided, single submitter. Criteria: Invitae Variant Classification Sherloc (09022015). Collection method: clinical testing. Allele origin: germline.
Comment: This sequence change replaces glycine, which is neutral and non-polar, with aspartic acid, which is acidic and polar, at codon 432 of the MET protein (p.Gly432Asp). This variant is not present in population databases (gnomAD no frequency). This variant has not been reported in the literature in individuals affected with MET-related conditions. ClinVar contains an entry for this variant (Variation ID: 1487989). Advanced modeling of protein sequence and biophysical properties (such as structural, functional, and spatial information, amino acid conservation, physicochemical variation, residue mobility, and thermodynamic stability) performed at Invitae indicates that this missense variant is not expected to disrupt MET protein function with a negative predictive value of 80%. In summary, the available evidence is currently insufficient to determine the role of this variant in disease. Therefore, it has been classified as a Variant of Uncertain Significance.

NM_000245.4(MET):c.1295G>A (p.Gly432Asp)

Gene: MET (MET proto-oncogene, receptor tyrosine kinase; plus strand). Cytogenetic location: 7q31.2.
Variant type: single nucleotide variant.
Coding change: c.1295G>A on transcript NM_000245.4 (MANE Select); coding-DNA position 1295, G replaced by A.
Protein change: p.Gly432Asp; replaces glycine 432 with aspartic acid.
Molecular consequence: missense variant.
Genome position (GRCh38, 1-based): chr7:116,731,762, G>A. VCF-style: chr7-116731762-G-A. GRCh37 (hg19) VCF-style: chr7-116371816-G-A.
Other names: c.1295G>A, p.Gly432Asp (NM_001127500.3, NM_001324401.3); c.5G>A, p.Gly2Asp (NM_001324402.2); short protein forms G2D, G432D.
Identifiers: ClinVar variation 1487989 (VCV001487989.6), dbSNP rs2116781776, ClinGen allele CA368972868.